The following is an entry in ClinVar:

NM_001164277.2(SLC37A4):c.1015G>T (p.Gly339Cys)

Gene: SLC37A4 (solute carrier family 37 member 4; minus strand). Cytogenetic location: 11q23.3.
Variant type: single nucleotide variant.
Coding change: c.1015G>T on transcript NM_001164277.2 (MANE Select); coding-DNA position 1015, G replaced by T.
Protein change: p.Gly339Cys; replaces glycine 339 with cysteine.
Molecular consequence: missense variant.
Genome position (GRCh38, 1-based): chr11:119,025,299, C>A on the plus strand (G>T on the coding strand, the complement: SLC37A4 is on the minus strand). VCF-style: chr11-119025299-C-A. GRCh37 (hg19) VCF-style: chr11-118896009-C-A.
Other names: 1184G>T; c.1081G>T, p.Gly361Cys (NM_001164278.2); c.796G>T, p.Gly266Cys (NM_001164279.2); c.1015G>T, p.Gly339Cys (NM_001164280.2, NM_001467.6); short protein forms G339C, G266C, G361C.
Identifiers: ClinVar variation 6921 (VCV000006921.55), dbSNP rs80356490, ClinGen allele CA284849.
Genomic context (GRCh38, chr11:119,025,299, plus strand): 5'-GAGGGGCACTCTCGTTGGCTATGACTCCAAACAGGGCAATGGGGCCATACGAGGAGAAAC[C>A]AAATACAGCTCCCAATACCAGGATCCAGAGCTGCCAAGGGCAGAGTGGAGTGGCATTCAG-3'
Protein context (NP_001157749.1, residues 329-349): LWILVLGAVF[Gly339Cys]FSSYGPIALF

ClinVar aggregate classification (germline): Pathogenic. Review status: criteria provided, multiple submitters, no conflicts (2 of 4 stars). 15 submissions from 15 submitters: Pathogenic (12). 3 of the submissions do not count toward it. Last evaluated 2026-04-22.

Conditions:
SLC37A4-related disorder. Also called: SLC37A4-related condition.
Glucose-6-phosphate transport defect (GSD1B). Also called: GSD Ib; Glycogen Storage Disease Type Ib. Identifiers: Orphanet 364, Orphanet 79259, MedGen C0268146, MONDO:0009288, OMIM 232220.
Glycogen storage disease. Also called: Disorder of glycogen metabolism; glycogen storage disorder. Identifiers: Orphanet 79201, MedGen C0017919, MONDO:0002412.

Allele frequency attached by ClinVar (database versions not stated): gnomAD 0.00007 and 0.00008; TOPMed 0.00006; gnomAD exomes 0.00008 and 0.00011; ExAC 0.00009.

Submissions (15):

NHS Central & South Genomic Laboratory Hub
Classification: Pathogenic for Glycogen storage disease. Last evaluated: 2026-04-22. Review status: criteria provided, single submitter. Criteria: ACMG Guidelines, 2015. Collection method: clinical testing. Allele origin: germline. Affected: yes.

Natera, Inc.
Classification: Pathogenic for Glycogen storage disease type Ib. Last evaluated: 2025-12-22. Review status: criteria provided, single submitter. Criteria: Natera Variant Classification Schema (03/2026). Collection method: clinical testing. Allele origin: germline.
Comment: The c.1015G>T variant in SLC37A4 is a missense variant predicted to cause substitution of glycine to cysteine at amino acid 339. This variant is rare in the general population with a frequency below the threshold expected for the associated phenotype(s). This variant has been observed in one or more individuals affected with the associated recessive disease, as either homozygous or compound heterozygous with a second variant (PMID: 11071391, 10923042). Computational prediction algorithms indicate this variant is likely to affect gene or protein function. Given the available evidence, this variant is classified as Pathogenic.

Labcorp Genetics (formerly Invitae), Labcorp
Classification: Pathogenic for Glucose-6-phosphate transport defect. Last evaluated: 2025-12-14. Review status: criteria provided, single submitter. Criteria: Invitae Variant Classification Sherloc (09022015). Collection method: clinical testing. Allele origin: germline.
Comment: This sequence change replaces glycine, which is neutral and non-polar, with cysteine, which is neutral and slightly polar, at codon 339 of the SLC37A4 protein (p.Gly339Cys). This variant is present in population databases (rs80356490, gnomAD 0.01%). This missense change has been observed in individual(s) with glycogen storage disease (PMID: 9428641, 9758626, 10482962, 10923042). In at least one individual the data is consistent with being in trans (on the opposite chromosome) from a pathogenic variant. It is commonly reported in individuals of European ancestry (PMID: 9428641, 9758626, 10482962, 10923042). This variant is also known as c.1184G>T. ClinVar contains an entry for this variant (Variation ID: 6921). Invitae Evidence Modeling of protein sequence and biophysical properties (such as structural, functional, and spatial information, amino acid conservation, physicochemical variation, residue mobility, and thermodynamic stability) indicates that this missense variant is expected to disrupt SLC37A4 protein function with a positive predictive value of 80%. Experimental studies have shown that this missense change affects SLC37A4 function (PMID: 12444104). For these reasons, this variant has been classified as Pathogenic.

Genetics Laboratory, Great Ormond Street Hospital NHS Foundation Trust, North Thames Genomic Laboratory Hub
Classification: Pathogenic for Glycogen storage disease. Last evaluated: 2025-07-17. Review status: criteria provided, single submitter. Criteria: ACGS Best Practice Guidelines for Variant Classification in Rare Disease 2024 v1.2. Collection method: clinical testing. Allele origin: germline. Affected: yes.
Comment: PM2_moderate, PP3_supporting, PM5_moderate, PS3_supporting, PM3_moderate, PP4_strong

GeneDx
Classification: Pathogenic. Last evaluated: 2025-05-22. Review status: criteria provided, single submitter. Criteria: GeneDx Variant Classification Process June 2021. Collection method: clinical testing. Allele origin: germline. Affected: yes.
Comment: In silico analysis supports that this missense variant has a deleterious effect on protein structure/function; Not observed at significant frequency in large population cohorts (gnomAD); This variant is associated with the following publications: (PMID: 9428641, 10940311, 18835800, 19008136, 20578944, 12811562, 10482962, 21599942, 31980526, 31589614, 33977030, 12444104, 9758626, 12373566)

Blueprint Genetics
Classification: Pathogenic for SLC37A4-related disorders. Last evaluated: 2024-07-16. Review status: criteria provided, single submitter. Criteria: ACMG Guidelines, 2015. Collection method: clinical testing. Allele origin: germline. Affected: yes. Observed: 4 variant alleles.

Baylor Genetics
Classification: Pathogenic for Glucose-6-phosphate transport defect. Last evaluated: 2024-03-28. Review status: criteria provided, single submitter. Criteria: ACMG Guidelines, 2015. Collection method: clinical testing. Allele origin: unknown.

CeGaT Center for Human Genetics Tuebingen
Classification: Pathogenic. Last evaluated: 2022-08-01. Review status: criteria provided, single submitter. Criteria: CeGaT Center For Human Genetics Tuebingen Variant Classification Criteria Version 2. Collection method: clinical testing. Allele origin: germline. Affected: yes. Observed: 1 variant allele.

Revvity Omics, Revvity
Classification: Pathogenic. Last evaluated: 2022-01-20. Review status: criteria provided, single submitter. Criteria: ACMG Guidelines, 2015. Collection method: clinical testing. Allele origin: germline.

Institute of Medical Genetics and Applied Genomics, University Hospital Tübingen
Classification: Pathogenic. Last evaluated: 2020-10-23. Review status: criteria provided, single submitter. Criteria: ACMG Guidelines, 2015. Collection method: clinical testing. Allele origin: germline. Inheritance: Unknown mechanism. Affected: yes.

Myriad Genetics, Inc.
Classification: Pathogenic for Glucose-6-phosphate transport defect. Last evaluated: 2019-12-09. Review status: criteria provided, single submitter. Criteria: Myriad Women's Health Autosomal Recessive and X-Linked Classification Criteria (2019). Collection method: clinical testing. Allele origin: unknown.
Comment: NM_001164277.1(SLC37A4):c.1015G>T(G339C) is classified as pathogenic in the context of glycogen storage disease type Ib. Sources cited for classification include the following: PMID 9758626, 10923042, 10940311 and 12444104. Classification of NM_001164277.1(SLC37A4):c.1015G>T(G339C) is based on the following criteria: This is a well-established pathogenic variant in the literature that has been observed more frequently in patients with clinical diagnoses than in healthy populations. Please note: this variant was assessed in the context of healthy population screening.

Women's Health and Genetics/Laboratory Corporation of America, LabCorp
Classification: Pathogenic for Glucose-6-phosphate transport defect. Last evaluated: 2017-11-09. Review status: criteria provided, single submitter. Criteria: LabCorp Variant Classification Summary - May 2015. Collection method: clinical testing. Allele origin: germline.
Comment: Variant summary: The SLC37A4 c.1015G>T (p.Gly339Cys) variant causes a missense change located in the Major facilitator superfamily domain (IPR020846) (InterPro) involving the alteration of a conserved nucleotide. 3/3 in silico tools predict a damaging outcome for this variant. Functional studies showed that this variant is associated with 4.9% of the microsomal G6P wildtype uptake activity and 5.1% of the WT Pi uptake activity in proteoliposomes (Chen_2002, Chen_2008). This variant was found in 20/272082 control chromosomes in gnomAD at a frequency of 0.0000735, which does not exceed the estimated maximal expected allele frequency of a pathogenic SLC37A4 variant (0.0012247). This variant was reported in multiple patients with GSD types Ib and Ic in compound heterozygotes and homozygotes (Veiga-da-Cunha_1998). In addition, multiple clinical diagnostic laboratories/reputable databases classified this variant as pathogenic. Taken together, this variant is classified as pathogenic.

OMIM
Classification: Pathogenic for GLYCOGEN STORAGE DISEASE Ib. Last evaluated: 1997-12-15. Review status: no assertion criteria provided. Collection method: literature only. Allele origin: germline. Not counted in ClinVar's aggregate classification.

GeneReviews
No classification provided. Condition: Glucose-6-phosphate transport defect. Review status: no classification provided. Collection method: literature only. Allele origin: germline. Affected: yes. Not counted in ClinVar's aggregate classification.

UniProtKB/Swiss-Prot
No classification provided. Review status: no classification provided. Collection method: not provided. Allele origin: not provided. Not counted in ClinVar's aggregate classification.

Literature cited by the submitters: PubMed 11071391 (cited by Natera, Inc.); PubMed 10923042 (cited by 3 submitters); PubMed 9428641 (cited by Labcorp Genetics (formerly Invitae), Labcorp and OMIM); PubMed 9758626 (cited by 3 submitters); PubMed 10482962 (cited by Labcorp Genetics (formerly Invitae), Labcorp); PubMed 12444104 (cited by 3 submitters); PubMed 10940311 (cited by Myriad Genetics, Inc.); PubMed 18835800 (cited by Women's Health and Genetics/Laboratory Corporation of America, LabCorp); NCBI Bookshelf NBK1312 (cited by GeneReviews).